The following is an entry in ClinVar:

ClinVar aggregate classification (germline): Uncertain significance (1 of 4 stars; one submission).

Conditions:
ALMS1-related disorder. Also called: ALMS1-related condition.

gnomAD v4.1: 4 of 1,614,006 alleles (0.00025%); highest among the groups gnomAD compares: South Asian, 0.0022%; no homozygotes.

Submission:

PreventionGenetics, part of Exact Sciences
Classification: Uncertain significance for ALMS1-related condition. Last evaluated: 2026-07-24. Review status: criteria provided, single submitter. Criteria: ACMG Guidelines, 2015. Collection method: clinical testing. Allele origin: germline.
Comment: The ALMS1 c.2633A>G variant is predicted to result in the amino acid substitution p.His878Arg. To our knowledge, this variant has not been reported in the literature or in a large population database (gnomAD), indicating this variant is rare. At this time, the clinical significance of this variant is uncertain due to the absence of conclusive functional and genetic evidence.

NM_001378454.1(ALMS1):c.2630A>G (p.Asn877Ser)

Gene: ALMS1 (ALMS1 centrosome and basal body associated protein; plus strand). Cytogenetic location: 2p13.1.
Variant type: single nucleotide variant.
Coding change: c.2630A>G on transcript NM_001378454.1 (MANE Select); coding-DNA position 2630, A replaced by G.
Protein change: p.Asn877Ser; replaces asparagine 877 with serine.
Molecular consequence: missense variant.
Genome position (GRCh38, 1-based): chr2:73,449,157, A>G. VCF-style: chr2-73449157-A-G. GRCh37 (hg19) VCF-style: chr2-73676284-A-G.
Other names: c.2633A>G, p.Asn878Ser (NM_015120.4); short protein forms N878S, N877S.
Identifiers: ClinVar variation 4978077 (VCV004978077.1).